The following is an entry in ClinVar:

ClinVar aggregate classification (germline): Pathogenic/Likely pathogenic. Review status: criteria provided, multiple submitters, no conflicts (2 of 4 stars). 6 submissions from 6 submitters: Pathogenic (1); Likely pathogenic (4). 1 of the submissions does not count toward it. Last evaluated 2025-12-31.

Conditions:
Bartter syndrome. Identifiers: Orphanet 112, MedGen C0004775, MONDO:0015231.
Bartter disease type 4A. Also called: BARTTER SYNDROME, TYPE 4A, NEONATAL, WITH SENSORINEURAL DEAFNESS; BARTTER SYNDROME, NEONATAL, WITH SENSORINEURAL DEAFNESS. Identifiers: Orphanet 112, MedGen C1865270, MONDO:0011242, OMIM 602522.

Allele frequency attached by ClinVar (database versions not stated): gnomAD 0.00004 and 0.00005; gnomAD exomes below 0.00001 and 0.00002; TOPMed 0.00001; 1000 Genomes Project 0.00020; 1000 Genomes Project 30x 0.00016.

Submissions (6):

Natera, Inc.
Classification: Likely pathogenic for Bartter syndrome. Last evaluated: 2025-12-31. Review status: criteria provided, single submitter. Criteria: Natera Variant Classification Schema (03/2026). Collection method: clinical testing. Allele origin: germline.
Comment: The c.22C>T variant in BSND is a missense variant predicted to cause substitution of arginine to tryptophan at amino acid 8. This variant is rare in the general population with a frequency below the threshold expected for the associated phenotype(s). This variant has been observed in one or more individuals affected with the associated recessive disease, as either homozygous or compound heterozygous with a second variant (PMID: 36314956, 34671977). Functional studies show that this variant may disrupt protein function (PMID: 18776122). Computational prediction algorithms indicate this variant is likely to affect gene or protein function. Given the available evidence, this variant is classified as Likely Pathogenic.

Labcorp Genetics (formerly Invitae), Labcorp
Classification: Likely pathogenic. Last evaluated: 2024-04-29. Review status: criteria provided, single submitter. Criteria: Invitae Variant Classification Sherloc (09022015). Collection method: clinical testing. Allele origin: germline.
Comment: This sequence change replaces arginine, which is basic and polar, with tryptophan, which is neutral and slightly polar, at codon 8 of the BSND protein (p.Arg8Trp). This variant is present in population databases (rs74315285, gnomAD 0.06%). This missense change has been observed in individuals with Bartter syndrome with sensorineural deafness (PMID: 11687798, 29254190, 35709690). ClinVar contains an entry for this variant (Variation ID: 4381). Advanced modeling of protein sequence and biophysical properties (such as structural, functional, and spatial information, amino acid conservation, physicochemical variation, residue mobility, and thermodynamic stability) performed at Invitae indicates that this missense variant is expected to disrupt BSND protein function with a positive predictive value of 80%. Experimental studies have shown that this missense change affects BSND function (PMID: 18776122). This variant disrupts the p.Arg8 amino acid residue in BSND. Other variant(s) that disrupt this residue have been determined to be pathogenic (PMID: 29986705, 30174009). This suggests that this residue is clinically significant, and that variants that disrupt this residue are likely to be disease-causing. In summary, the currently available evidence indicates that the variant is pathogenic, but additional data are needed to prove that conclusively. Therefore, this variant has been classified as Likely Pathogenic.

GeneDx
Classification: Likely pathogenic. Last evaluated: 2023-06-13. Review status: criteria provided, single submitter. Criteria: GeneDx Variant Classification Process June 2021. Collection method: clinical testing. Allele origin: germline. Affected: yes.
Comment: Published functional studies demonstrate this variant renders the CIC-K channel inactive (Janssen et al., 2009); In silico analysis supports that this missense variant has a deleterious effect on protein structure/function; This variant is associated with the following publications: (PMID: 28012523, 35709690, 36314956, 29254190, 11687798, 18776122)

Women's Health and Genetics/Laboratory Corporation of America, LabCorp
Classification: Pathogenic for Bartter syndrome. Last evaluated: 2022-11-07. Review status: criteria provided, single submitter. Criteria: LabCorp Variant Classification Summary - May 2015. Collection method: clinical testing. Allele origin: germline.
Comment: Variant summary: BSND c.22C>T (p.Arg8Trp) results in a non-conservative amino acid change in the encoded protein sequence. Five of five in-silico tools predict a damaging effect of the variant on protein function. The variant allele was found at a frequency of 4e-06 in 251414 control chromosomes. c.22C>T has been reported in the literature as a homozygous genotype in individuals with clinically diagnosed Bartter Syndrome, Type 4a (example:Birkenhger_2001 and Wang_2017 etc.). These data indicate that the variant is likely to be associated with disease. Several publications reports experimental evidence evaluating an impact on protein function demonstrating that this variant nearly abolishes CIS -K1 activation ans is not capable of switching human CIC-K channels to an active conformation (example: Janssen_2009 and Waldegger_2002 etc.) . Another variant at the same locus p.R8L has also been shown to have similar effect (Waldegger_2002) and multiple other variants affecting the same codon have been reported in association with Bartter syndrome (p.R8G, p.R8L). Two clinical diagnostic laboratories have submitted clinical-significance assessments for this variant to ClinVar after 2014 without evidence for independent evaluation. All laboratories classified the variant as likely pathogenic. Based on the evidence outlined above, the variant was classified as pathogenic.

Juno Genomics, Hangzhou Juno Genomics, Inc
Classification: Likely pathogenic for Bartter disease type 4A. Review status: criteria provided, single submitter. Criteria: ACMG Guidelines, 2015. Collection method: clinical testing. Allele origin: germline.
Comment: Absent from controls (or at extremely low frequency if recessive) in Genome Aggregation Database.;For recessive disorders, detected in trans with a pathogenic variant.;Patient's phenotype or family history is highly specific for a disease with a single genetic etiology.;Well-established in vitro or in vivo functional studies supportive of a damaging effect on the gene or gene product.

OMIM
Classification: Pathogenic for BARTTER SYNDROME, TYPE 4A, WITH SENSORINEURAL DEAFNESS. Last evaluated: 2001-11-01. Review status: no assertion criteria provided. Collection method: literature only. Allele origin: germline. Not counted in ClinVar's aggregate classification.

Literature cited by the submitters: PubMed 36314956 (cited by Natera, Inc.); PubMed 34671977 (cited by Natera, Inc.); PubMed 18776122 (cited by 3 submitters); PubMed 11687798 (cited by 3 submitters); PubMed 29254190 (cited by Labcorp Genetics (formerly Invitae), Labcorp); PubMed 35709690 (cited by Labcorp Genetics (formerly Invitae), Labcorp); PubMed 29986705 (cited by Labcorp Genetics (formerly Invitae), Labcorp); PubMed 30174009 (cited by Labcorp Genetics (formerly Invitae), Labcorp); PubMed 32608139 (cited by Women's Health and Genetics/Laboratory Corporation of America, LabCorp); PubMed 12111250 (cited by Women's Health and Genetics/Laboratory Corporation of America, LabCorp); PubMed 28012523 (cited by Women's Health and Genetics/Laboratory Corporation of America, LabCorp).

NM_057176.3(BSND):c.22C>T (p.Arg8Trp)

Gene: BSND (barttin CLCNK type accessory subunit beta; plus strand). Cytogenetic location: 1p32.3.
Variant type: single nucleotide variant.
Coding change: c.22C>T on transcript NM_057176.3 (MANE Select); coding-DNA position 22, C replaced by T.
Protein change: p.Arg8Trp; replaces arginine 8 with tryptophan.
Molecular consequence: missense variant.
Genome position (GRCh38, 1-based): chr1:54,999,208, C>T. VCF-style: chr1-54999208-C-T. GRCh37 (hg19) VCF-style: chr1-55464881-C-T.
Other names: short protein forms R8W.
Identifiers: ClinVar variation 4381 (VCV000004381.19), dbSNP rs74315285, ClinGen allele CA116806.